The following is an entry in ClinVar:

ClinVar aggregate classification (germline): Pathogenic (1 of 4 stars; one submission).

Conditions:
Mosaic variegated aneuploidy syndrome 1 (MVA1). Also called: Warburton-Anyane-Yeboa syndrome. Identifiers: Orphanet 1052, MedGen C1850343, MONDO:0009759, OMIM 257300.

Submission:

Labcorp Genetics (formerly Invitae), Labcorp
Classification: Pathogenic for Mosaic variegated aneuploidy syndrome 1. Last evaluated: 2019-08-02. Review status: criteria provided, single submitter. Criteria: Invitae Variant Classification Sherloc (09022015). Collection method: clinical testing. Allele origin: germline.
Comment: This variant is not present in population databases (ExAC no frequency). For these reasons, this variant has been classified as Pathogenic. Loss-of-function variants in BUB1B are known to be pathogenic (PMID: 15475955, 21190457). This variant has not been reported in the literature in individuals with BUB1B-related conditions. This sequence change creates a premature translational stop signal (p.Tyr826*) in the BUB1B gene. It is expected to result in an absent or disrupted protein product.

Literature cited by the submitters: PubMed 15475955; PubMed 21190457.

NM_001211.6(BUB1B):c.2478T>G (p.Tyr826Ter)

Gene: BUB1B (BUB1 mitotic checkpoint serine/threonine kinase B; plus strand). Cytogenetic location: 15q15.1.
Variant type: single nucleotide variant.
Coding change: c.2478T>G on transcript NM_001211.6 (MANE Select); coding-DNA position 2478, T replaced by G.
Protein change: p.Tyr826Ter; replaces tyrosine 826 with a stop codon.
Molecular consequence: nonsense.
Genome position (GRCh38, 1-based): chr15:40,212,591, T>G. VCF-style: chr15-40212591-T-G. GRCh37 (hg19) VCF-style: chr15-40504792-T-G.
Other names: short protein forms Y826*.
Identifiers: ClinVar variation 959090 (VCV000959090.7), dbSNP rs2037728032, ClinGen allele CA391695381.
Genomic context (GRCh38, chr15:40,212,591, plus strand): 5'-TATCAACCTCAAGTTAAAGGAACGTTTAAATGAAGATTTTGATCATTTTTGCAGCTGTTA[T>G]CAATATCAAGATGGCTGTATTGTTTGGCACCAATATATAAACTGCTTCACCCTTCAGGTC-3'